The following is an entry in ClinVar:

NM_080764.4(ZNF280B):c.1116T>C (p.Ser372=)

Genes: IGL (immunoglobulin lambda locus; plus strand), ZNF280B (zinc finger protein 280B; minus strand). Cytogenetic location: 22q11.22.
Variant type: single nucleotide variant.
Coding change: c.1116T>C on transcript NM_080764.4 (MANE Select); coding-DNA position 1116, T replaced by C.
Protein change: p.Ser372=; no amino-acid change (serine 372 retained).
Molecular consequence: synonymous variant. On other transcripts: non-coding transcript variant (1).
Genome position (GRCh38, 1-based): chr22:22,488,283, A>G on the plus strand (T>C on the coding strand, the complement: ZNF280B is on the minus strand). VCF-style: chr22-22488283-A-G. GRCh37 (hg19) VCF-style: chr22-22842608-A-G.
Identifiers: ClinVar variation 4872773 (VCV004872773.2).

ClinVar aggregate classification (germline): Likely benign (1 of 4 stars; one submission).

Submission:

CeGaT Center for Human Genetics Tuebingen
Classification: Likely benign. Last evaluated: 2026-05-01. Review status: criteria provided, single submitter. Criteria: CeGaT Center For Human Genetics Tuebingen Variant Classification Criteria Version 2. Collection method: clinical testing. Allele origin: germline. Affected: yes. Observed: 1 variant allele.
Comment: ZNF280B: BP4, BP7